The following is an entry in ClinVar:

NM_001367624.2(ZNF469):c.3441C>T (p.Gly1147=)

Gene: ZNF469 (zinc finger protein 469; plus strand). Cytogenetic location: 16q24.2.
Variant type: single nucleotide variant.
Coding change: c.3441C>T on transcript NM_001367624.2 (MANE Select); coding-DNA position 3441, C replaced by T.
Protein change: p.Gly1147=; no amino-acid change (glycine 1147 retained).
Molecular consequence: synonymous variant.
Genome position (GRCh38, 1-based): chr16:88,430,911, C>T. VCF-style: chr16-88430911-C-T. GRCh37 (hg19) VCF-style: chr16-88497319-C-T.
Other names: NM_001127464.1:c.3357C>T; NM_001127464.2:c.3357C>T.
Identifiers: ClinVar variation 1730558 (VCV001730558.6), dbSNP rs908428236, ClinGen allele CA286374839.

ClinVar aggregate classification (germline): Likely benign. Review status: criteria provided, multiple submitters, no conflicts (2 of 4 stars). 3 submissions from 3 submitters: Likely benign (3). Last evaluated 2026-09-07.

Conditions:
ZNF469-related disorder. Also called: ZNF469-related condition.
Cardiovascular phenotype. Identifiers: MedGen CN230736.

Allele frequency attached by ClinVar (database versions not stated): gnomAD 0.00006; TOPMed 0.00010.
gnomAD v4.1: 17 of 1,536,996 alleles (0.0011%); highest among the groups gnomAD compares: African/African-American, 0.023%; no homozygotes.

Submissions (3):

PreventionGenetics, part of Exact Sciences
Classification: Likely benign for ZNF469-related condition. Last evaluated: 2026-09-07. Review status: criteria provided, single submitter. Criteria: ACMG Guidelines, 2015. Collection method: clinical testing. Allele origin: germline.
Comment: This variant is classified as likely benign based on ACMG/AMP sequence variant interpretation guidelines (Richards et al. 2015 PMID: 25741868, with internal and published modifications).

Labcorp Genetics (formerly Invitae), Labcorp
Classification: Likely benign. Last evaluated: 2026-01-27. Review status: criteria provided, single submitter. Criteria: Invitae Variant Classification Sherloc (09022015). Collection method: clinical testing. Allele origin: germline.

Ambry Genetics
Classification: Likely benign for Cardiovascular phenotype. Last evaluated: 2020-03-18. Review status: criteria provided, single submitter. Criteria: Ambry Variant Classification Scheme 2023. Collection method: clinical testing. Allele origin: germline.